The following is an entry in ClinVar:

NM_020461.4(TUBGCP6):c.4520T>A (p.Phe1507Tyr)

Gene: TUBGCP6 (tubulin gamma complex component 6; minus strand). Cytogenetic location: 22q13.33.
Variant type: single nucleotide variant.
Coding change: c.4520T>A on transcript NM_020461.4 (MANE Select); coding-DNA position 4520, T replaced by A.
Protein change: p.Phe1507Tyr; replaces phenylalanine 1507 with tyrosine.
Molecular consequence: missense variant.
Genome position (GRCh38, 1-based): chr22:50,219,174, A>T on the plus strand (T>A on the coding strand, the complement: TUBGCP6 is on the minus strand). VCF-style: chr22-50219174-A-T. GRCh37 (hg19) VCF-style: chr22-50657603-A-T.
Other names: short protein forms F1507Y.
Identifiers: ClinVar variation 1336230 (VCV001336230.8), dbSNP rs146136859, ClinGen allele CA10307458.

ClinVar aggregate classification (germline): Uncertain significance. Review status: criteria provided, multiple submitters, no conflicts (2 of 4 stars). 4 submissions from 4 submitters: Uncertain significance (4). Last evaluated 2024-12-04.

Conditions:
Inborn genetic diseases. Identifiers: MedGen C0950123, MeSH D030342.

Allele frequency attached by ClinVar (database versions not stated): gnomAD 0.00006; TOPMed 0.00009; gnomAD exomes 0.00012 and 0.00015; ExAC 0.00013; ESP Exome Variant Server 0.00015.
gnomAD v4.1: 224 of 1,612,156 alleles (0.014%); highest among the groups gnomAD compares: South Asian, 0.024%; no homozygotes.

Submissions (4):

Labcorp Genetics (formerly Invitae), Labcorp
Classification: Uncertain significance. Last evaluated: 2024-12-04. Review status: criteria provided, single submitter. Criteria: Invitae Variant Classification Sherloc (09022015). Collection method: clinical testing. Allele origin: germline.
Comment: This sequence change replaces phenylalanine, which is neutral and non-polar, with tyrosine, which is neutral and polar, at codon 1507 of the TUBGCP6 protein (p.Phe1507Tyr). The frequency data for this variant in the population databases is considered unreliable, as metrics indicate poor data quality at this position in the gnomAD database. This variant has not been reported in the literature in individuals affected with TUBGCP6-related conditions. ClinVar contains an entry for this variant (Variation ID: 1336230). An algorithm developed to predict the effect of missense changes on protein structure and function outputs the following: PolyPhen-2: "Benign". The tyrosine amino acid residue is found in multiple mammalian species, which suggests that this missense change does not adversely affect protein function. In summary, the available evidence is currently insufficient to determine the role of this variant in disease. Therefore, it has been classified as a Variant of Uncertain Significance.

Blueprint Genetics
Classification: Uncertain significance. Last evaluated: 2023-12-16. Review status: criteria provided, single submitter. Criteria: ACMG Guidelines, 2015. Collection method: clinical testing. Allele origin: germline.

Ambry Genetics
Classification: Uncertain significance for Inborn genetic diseases. Last evaluated: 2021-09-01. Review status: criteria provided, single submitter. Criteria: Ambry Variant Classification Scheme 2023. Collection method: clinical testing. Allele origin: germline.

Genetic Services Laboratory, University of Chicago
Classification: Uncertain significance. Last evaluated: 2017-09-05. Review status: criteria provided, single submitter. Criteria: ACMG Guidelines, 2015. Collection method: clinical testing. Allele origin: germline. Affected: no.